The following is an entry in ClinVar:

NM_001048174.2(MUTYH):c.292C>T (p.Arg98Trp)

Gene: MUTYH (mutY DNA glycosylase; minus strand). Cytogenetic location: 1p34.1.
Variant type: single nucleotide variant.
Coding change: c.292C>T on transcript NM_001048174.2 (MANE Select); coding-DNA position 292, C replaced by T.
Protein change: p.Arg98Trp; replaces arginine 98 with tryptophan.
Molecular consequence: missense variant. On other transcripts: synonymous variant (2), non-coding transcript variant (2).
Genome position (GRCh38, 1-based): chr1:45,333,297, G>A on the plus strand (C>T on the coding strand, the complement: MUTYH is on the minus strand). VCF-style: chr1-45333297-G-A. GRCh37 (hg19) VCF-style: chr1-45798969-G-A.
Other names: c.292C>T, p.Arg98Trp (NM_001048171.2, NM_001048173.2, NM_001293195.2); c.295C>T, p.Arg99Trp (NM_001048172.2); c.376C>T, p.Arg126Trp (NM_001128425.2); c.337C>T, p.Arg113Trp (NM_001293190.2); c.325C>T, p.Arg109Trp (NM_001293191.2); c.16C>T, p.Arg6Trp (NM_001293192.2, NM_001293196.2); c.21C>T, p.Gly7= (NM_001350650.2, NM_001350651.2); c.367C>T, p.Arg123Trp (NM_012222.3); short protein forms R126W, R113W, R109W, R6W, R98W, R99W, R123W.
Identifiers: ClinVar variation 141830 (VCV000141830.24), dbSNP rs587782041, ClinGen allele CA013462.

ClinVar aggregate classification (germline): Uncertain significance. Review status: criteria provided, multiple submitters, no conflicts (2 of 4 stars). 6 submissions from 6 submitters: Uncertain significance (6). Last evaluated 2025-12-27.

Conditions:
Familial adenomatous polyposis 2. Also called: FAP type 2; Adenomas, multiple colorectal; MUTYH Polyposis; MYH-associated polyposis; MUTYH-associated polyposis; MUTYH-related attenuated familial adenomatous polyposis. Identifiers: Orphanet 220460, Orphanet 247798, MedGen C3272841, MONDO:0012041, OMIM 608456.
Gastric cancer. Also called: Stomach cancer; Malignant tumor of stomach. Identifiers: MedGen C0024623, MeSH D013274, MONDO:0001056, OMIM 613659, HP:0012126.
Hereditary cancer-predisposing syndrome. Also called: Tumor predisposition; Neoplastic Syndromes, Hereditary; Hereditary Cancer Syndrome; Hereditary neoplastic syndrome. Identifiers: Orphanet 140162, MedGen C0027672, MeSH D009386, MONDO:0015356.

Allele frequency attached by ClinVar (database versions not stated): gnomAD 0.00001; TOPMed 0.00001; gnomAD exomes 0.00003 and 0.00006; ExAC 0.00007.
gnomAD v4.1: 40 of 1,614,056 alleles (0.0025%); highest among the groups gnomAD compares: South Asian, 0.026%; 1 homozygote.

Submissions (6):

Labcorp Genetics (formerly Invitae), Labcorp
Classification: Uncertain significance for Familial adenomatous polyposis 2. Last evaluated: 2025-12-27. Review status: criteria provided, single submitter. Criteria: Invitae Variant Classification Sherloc (09022015). Collection method: clinical testing. Allele origin: germline.
Comment: This sequence change replaces arginine, which is basic and polar, with tryptophan, which is neutral and slightly polar, at codon 126 of the MUTYH protein (p.Arg126Trp). This variant is present in population databases (rs587782041, gnomAD 0.03%). This missense change has been observed in individual(s) with colorectal adenomas (PMID: 17949294). ClinVar contains an entry for this variant (Variation ID: 141830). An algorithm developed to predict the effect of missense changes on protein structure and function (PolyPhen-2) suggests that this variant is likely to be disruptive. Studies have shown that this missense change is associated with inconclusive levels of altered splicing (internal data). In summary, the available evidence is currently insufficient to determine the role of this variant in disease. Therefore, it has been classified as a Variant of Uncertain Significance.

Quest Diagnostics Nichols Institute San Juan Capistrano
Classification: Uncertain significance. Last evaluated: 2024-07-15. Review status: criteria provided, single submitter. Criteria: Quest Diagnostics criteria. Collection method: clinical testing. Allele origin: unknown.
Comment: The MUTYH c.376C>T (p.Arg126Trp) variant has been reported in the published literature in an individual with multiple colorectal adenomas (PMID: 17949294 (2007)). The frequency of this variant in the general population, 0.00029 (9/30616 chromosomes (Genome Aggregation Database)), is uninformative in the assessment of its pathogenicity. Analysis of this variant using bioinformatics tools for the prediction of the effect of amino acid changes on protein structure and function yielded predictions that this variant is damaging. Based on the available information, we are unable to determine the clinical significance of this variant.

All of Us Research Program, National Institutes of Health
Classification: Uncertain significance for Familial adenomatous polyposis 2. Last evaluated: 2024-04-16. Review status: criteria provided, single submitter. Criteria: ACMG Guidelines, 2015. Collection method: clinical testing. Allele origin: germline. Inheritance: Autosomal recessive inheritance. Observed: 2 variant alleles, 2 heterozygotes.
Comment: This missense variant replaces arginine with tryptophan at codon 126 of the MUTYH protein. Computational prediction suggests that this variant may have deleterious impact on protein structure and function (internally defined REVEL score threshold >= 0.7, PMID: 27666373). Splice site prediction tools suggest that this variant may not impact RNA splicing. To our knowledge, functional studies have not been performed for this variant. This variant (also known as p.Arg112Trp in the literature) has been reported in an individual affected with multiple colorectal adenomas (PMID: 17949294). This variant has also been identified in 16/282734 chromosomes in the general population by the Genome Aggregation Database (gnomAD). The available evidence is insufficient to determine the role of this variant in disease conclusively. Therefore, this variant is classified as a Variant of Uncertain Significance.

This study involves interpretation of variants in research participants for the purpose of population health screening. Participant phenotype was not available at the time of variant classification. Additional details can be found in publication PMID: 35346344, PMCID: PMC8962531

Ambry Genetics
Classification: Uncertain significance for Hereditary cancer-predisposing syndrome. Last evaluated: 2024-02-20. Review status: criteria provided, single submitter. Criteria: Ambry Variant Classification Scheme 2023. Collection method: clinical testing. Allele origin: germline.
Comment: The p.R126W variant (also known as c.376C>T), located in coding exon 4 of the MUTYH gene, results from a C to T substitution at nucleotide position 376. The arginine at codon 126 is replaced by tryptophan, an amino acid with dissimilar properties. This alteration was detected in a cohort of 453 individuals diagnosed with adenomatous polyposis (Olschwang S et al. Genet Test, 2007;11:315-20). Of note, this alteration is also designated as c.334C>T (p.R112W) in published literature. This amino acid position is well conserved in available vertebrate species. In addition, this alteration is predicted to be deleterious by in silico analysis. Based on the available evidence, the clinical significance of this alteration remains unclear.

Color Diagnostics, LLC DBA Color Health
Classification: Uncertain significance for Hereditary cancer-predisposing syndrome. Last evaluated: 2021-03-09. Review status: criteria provided, single submitter. Criteria: ACMG Guidelines, 2015. Collection method: clinical testing. Allele origin: germline.
Comment: This missense variant replaces arginine with tryptophan at codon 126 of the MUTYH protein. Computational prediction suggests that this variant may have deleterious impact on protein structure and function (internally defined REVEL score threshold >= 0.7, PMID: 27666373). Splice site prediction tools suggest that this variant may not impact RNA splicing. To our knowledge, functional studies have not been performed for this variant. This variant (also known as p.Arg112Trp in the literature) has been reported in an individual affected with multiple colorectal adenomas (PMID: 17949294). This variant has also been identified in 16/282734 chromosomes in the general population by the Genome Aggregation Database (gnomAD). The available evidence is insufficient to determine the role of this variant in disease conclusively. Therefore, this variant is classified as a Variant of Uncertain Significance.

Department of Pathology and Laboratory Medicine, Sinai Health System
Classification: Uncertain significance for Familial adenomatous polyposis 2; Gastric cancer. Last evaluated: 2019-12-19. Review status: criteria provided, single submitter. Criteria: ACMG Guidelines, 2015. Collection method: clinical testing. Allele origin: germline. Affected: yes.

Literature cited by the submitters: PubMed 17949294 (cited by 5 submitters); PubMed 29967336 (cited by Quest Diagnostics Nichols Institute San Juan Capistrano); PubMed 28569743 (cited by Quest Diagnostics Nichols Institute San Juan Capistrano); PubMed 33471991 (cited by Quest Diagnostics Nichols Institute San Juan Capistrano).